The following is an entry in ClinVar:

ClinVar aggregate classification (germline): Uncertain significance. Review status: criteria provided, multiple submitters, no conflicts (2 of 4 stars). 2 submissions from 2 submitters: Uncertain significance (2). Last evaluated 2025-01-20.

Conditions:
Inborn genetic diseases. Identifiers: MedGen C0950123, MeSH D030342.
Spastic paraplegia. Identifiers: MedGen C0037772, HP:0001258.

Allele frequency attached by ClinVar (database versions not stated): TOPMed below 0.00001; gnomAD 0.00001; gnomAD exomes 0.00001; ExAC 0.00002.
gnomAD v4.1: 21 of 1,613,984 alleles (0.0013%); highest among the groups gnomAD compares: Non-Finnish European, 0.0018%; no homozygotes.

Submissions (2):

Ambry Genetics
Classification: Uncertain significance for Inborn genetic diseases. Last evaluated: 2025-01-20. Review status: criteria provided, single submitter. Criteria: Ambry Variant Classification Scheme 2023. Collection method: clinical testing. Allele origin: germline.

Labcorp Genetics (formerly Invitae), Labcorp
Classification: Uncertain significance for Spastic paraplegia. Last evaluated: 2024-04-08. Review status: criteria provided, single submitter. Criteria: Invitae Variant Classification Sherloc (09022015). Collection method: clinical testing. Allele origin: germline.
Comment: This sequence change replaces isoleucine, which is neutral and non-polar, with threonine, which is neutral and polar, at codon 318 of the CYP2U1 protein (p.Ile318Thr). This variant is present in population databases (rs770107829, gnomAD 0.004%). This variant has not been reported in the literature in individuals affected with CYP2U1-related conditions. ClinVar contains an entry for this variant (Variation ID: 2193907). Advanced modeling of protein sequence and biophysical properties (such as structural, functional, and spatial information, amino acid conservation, physicochemical variation, residue mobility, and thermodynamic stability) performed at Invitae indicates that this missense variant is not expected to disrupt CYP2U1 protein function with a negative predictive value of 95%. In summary, the available evidence is currently insufficient to determine the role of this variant in disease. Therefore, it has been classified as a Variant of Uncertain Significance.

NM_183075.3(CYP2U1):c.953T>C (p.Ile318Thr)

Gene: CYP2U1 (cytochrome P450 family 2 subfamily U member 1; plus strand). Cytogenetic location: 4q25.
Variant type: single nucleotide variant.
Coding change: c.953T>C on transcript NM_183075.3 (MANE Select); coding-DNA position 953, T replaced by C.
Protein change: p.Ile318Thr; replaces isoleucine 318 with threonine.
Molecular consequence: missense variant.
Genome position (GRCh38, 1-based): chr4:107,945,432, T>C. VCF-style: chr4-107945432-T-C. GRCh37 (hg19) VCF-style: chr4-108866588-T-C.
Other names: c.953T>C (NM_183075.2); short protein forms I318T.
Identifiers: ClinVar variation 2193907 (VCV002193907.5), dbSNP rs770107829, ClinGen allele CA3037081.